The following is an entry in ClinVar:

ClinVar aggregate classification (germline): Benign. Review status: criteria provided, multiple submitters, no conflicts (2 of 4 stars). 7 submissions from 6 submitters: Benign (7). Last evaluated 2026-02-04.

Conditions:
Laryngo-onycho-cutaneous syndrome (JEB2C). Also called: SHABBIR SYNDROME; EPIDERMOLYSIS BULLOSA, JUNCTIONAL 2C, LARYNGOONYCHOCUTANEOUS; LOGIC SYNDROME. Identifiers: Orphanet 2407, MedGen C1328355, MONDO:0009513, OMIM 245660.
Junctional epidermolysis bullosa gravis of Herlitz. Also called: Herlitz-type junctional epidermolysis bullosa; EPIDERMOLYSIS BULLOSA JUNCTIONALIS, HERLITZ TYPE; EPIDERMOLYSIS BULLOSA, JUNCTIONAL, HERLITZ-PEARSON TYPE; Epidermolysis Bullosa Letalis; EPIDERMOLYSIS BULLOSA, JUNCTIONAL 1B, SEVERE; JEB-HERLITZ TYPE. Identifiers: Orphanet 79404, MedGen C0079683, MONDO:0009182, OMIM 226700.

Allele frequency attached by ClinVar (database versions not stated): ESP Exome Variant Server 0.07251; gnomAD 0.08205 and 0.08419; TOPMed 0.10122; 1000 Genomes Project 0.11861; 1000 Genomes Project 30x 0.12633.
gnomAD v4.1: 59,496 of 1,613,238 alleles (3.7%); highest among the groups gnomAD compares: Admixed American, 24%; 3,839 homozygotes.

Submissions (7):

Labcorp Genetics (formerly Invitae), Labcorp
Classification: Benign. Last evaluated: 2026-02-04. Review status: criteria provided, single submitter. Criteria: Invitae Variant Classification Sherloc (09022015). Collection method: clinical testing. Allele origin: germline.

GeneDx
Classification: Benign. Last evaluated: 2021-11-02. Review status: criteria provided, single submitter. Criteria: GeneDx Variant Classification Process June 2021. Collection method: clinical testing. Allele origin: germline. Affected: yes.

Women's Health and Genetics/Laboratory Corporation of America, LabCorp
Classification: Benign. Last evaluated: 2019-05-16. Review status: criteria provided, single submitter. Criteria: LabCorp Variant Classification Summary - May 2015. Collection method: clinical testing. Allele origin: germline.
Comment: Variant summary: LAMA3 c.495C>T alters a non-conserved nucleotide resulting in a synonymous change. 5/5 computational tools predict no significant impact on normal splicing. However, these predictions have yet to be confirmed by functional studies. The variant allele was found at a frequency of 0.07 in 251394 control chromosomes, predominantly at a frequency of 0.27 within the Latino subpopulation in the gnomAD database, including 1412 homozygotes. The observed variant frequency within Latino control individuals in the gnomAD database is approximately 597 fold of the estimated maximal expected allele frequency for a pathogenic variant in LAMA3 causing Junctional Epidermolysis Bullosa phenotype (0.00045), strongly suggesting that the variant is a benign polymorphism found primarily in populations of Latino origin. To our knowledge, no occurrence of c.495C>T in individuals affected with Junctional Epidermolysis Bullosa and no experimental evidence demonstrating its impact on protein function have been reported. Two submitters have provided clinical-significance assessments for this variant to ClinVar after 2014 without evidence for independent evaluation and classified the variant as benign. Based on the evidence outlined above, the variant was classified as benign.

Illumina Laboratory Services, Illumina
Classification: Benign for Laryngo-onycho-cutaneous syndrome. Last evaluated: 2018-01-13. Review status: criteria provided, single submitter. Criteria: ICSL Variant Classification Criteria 13 December 2019. Collection method: clinical testing. Allele origin: germline.
Comment: This variant was observed in the ICSL laboratory as part of a predisposition screen in an ostensibly healthy population. It had not been previously curated by ICSL or reported in the Human Gene Mutation Database (HGMD: prior to June 1st, 2018), and was therefore a candidate for classification through an automated scoring system. Utilizing variant allele frequency, disease prevalence and penetrance estimates, and inheritance mode, an automated score was calculated to assess if this variant is too frequent to cause the disease. Based on the score and internal cut-off values, a variant classified as benign is not then subjected to further curation. The score for this variant resulted in a classification of benign for this disease.

Illumina Laboratory Services, Illumina
Classification: Benign for Junctional epidermolysis bullosa gravis of Herlitz. Last evaluated: 2018-01-13. Review status: criteria provided, single submitter. Criteria: ICSL Variant Classification Criteria 13 December 2019. Collection method: clinical testing. Allele origin: germline.
Comment: the same text as in the submission from Illumina Laboratory Services, Illumina above.

PreventionGenetics, part of Exact Sciences
Classification: Benign. Last evaluated: 2016-03-04. Review status: criteria provided, single submitter. Criteria: ACMG Guidelines, 2015. Collection method: clinical testing. Allele origin: germline.

Breakthrough Genomics
Classification: Benign. Review status: criteria provided, single submitter. Criteria: ACMG Guidelines, 2015. Collection method: not provided. Allele origin: germline. Inheritance: Autosomal recessive inheritance. Affected: yes.

NM_198129.4(LAMA3):c.5322C>T (p.Phe1774=)

Gene: LAMA3 (laminin subunit alpha 3; plus strand). Cytogenetic location: 18q11.2.
Variant type: single nucleotide variant.
Coding change: c.5322C>T on transcript NM_198129.4 (MANE Select); coding-DNA position 5322, C replaced by T.
Protein change: p.Phe1774=; no amino-acid change (phenylalanine 1774 retained).
Molecular consequence: synonymous variant.
Genome position (GRCh38, 1-based): chr18:23,890,029, C>T. VCF-style: chr18-23890029-C-T. GRCh37 (hg19) VCF-style: chr18-21469993-C-T.
Other names: c.495C>T, p.Phe165= (NM_000227.6, NM_001127718.4); c.5322C>T, p.Phe1774= (NM_001127717.4).
Identifiers: ClinVar variation 255581 (VCV000255581.17), dbSNP rs958631, ClinGen allele CA8916000.